The following is an entry in ClinVar:

ClinVar aggregate classification (germline): Uncertain significance (1 of 4 stars; one submission).

Conditions:
Familial adenomatous polyposis 1 (FAP1). Also called: FAMILIAL ADENOMATOUS POLYPOSIS 1, ATTENUATED; POLYPOSIS, ADENOMATOUS INTESTINAL. Identifiers: MedGen C2713442, MONDO:0021056, OMIM 175100. Disease mechanism: loss of function.

Submission:

Labcorp Genetics (formerly Invitae), Labcorp
Classification: Uncertain significance for Familial adenomatous polyposis 1. Last evaluated: 2022-11-05. Review status: criteria provided, single submitter. Criteria: Invitae Variant Classification Sherloc (09022015). Collection method: clinical testing. Allele origin: germline.
Comment: This variant is not present in population databases (gnomAD no frequency). This variant occurs in a non-coding region of the APC gene. It does not change the encoded amino acid sequence of the APC protein. This variant has not been reported in the literature in individuals affected with APC-related conditions. Experimental studies and prediction algorithms are not available or were not evaluated, and the functional significance of this variant is currently unknown. In summary, the available evidence is currently insufficient to determine the role of this variant in disease. Therefore, it has been classified as a Variant of Uncertain Significance.

NM_001127511.3(APC):c.-23C>G

Gene: APC (APC regulator of Wnt signaling pathway; plus strand). Cytogenetic location: 5q22.2.
Variant type: single nucleotide variant.
Coding change: c.-23C>G on transcript NM_001127511.3; 23 bases upstream of the start codon, C replaced by G.
Molecular consequence: 5 prime UTR variant. On other transcripts: non-coding transcript variant (1), intron variant (5).
Genome position (GRCh38, 1-based): chr5:112,707,695, C>G. VCF-style: chr5-112707695-C-G. GRCh37 (hg19) VCF-style: chr5-112043392-C-G.
Other names: c.-206C>G (NM_001354895.2, NM_001407447.1, NM_001407452.1 and 3 more transcripts); c.-23C>G (NM_001354897.2, NM_001354902.2, NM_001407446.1); c.-1241C>G (NM_001407470.1, NM_001407472.1); c.-19+46C>G (NM_001407448.1, NM_001407450.1, NM_001407457.1 and 1 more transcripts); c.-43+46C>G (NM_001407453.1).
Identifiers: ClinVar variation 2812231 (VCV002812231.3), dbSNP rs747101141, ClinGen allele CA2674863605.